The following is an entry in ClinVar:

NM_013275.6(ANKRD11):c.3872A>G (p.Glu1291Gly)

Gene: ANKRD11 (ankyrin repeat domain 11; minus strand). Cytogenetic location: 16q24.3.
Variant type: single nucleotide variant.
Coding change: c.3872A>G on transcript NM_013275.6 (MANE Select); coding-DNA position 3872, A replaced by G.
Protein change: p.Glu1291Gly; replaces glutamic acid 1291 with glycine.
Molecular consequence: missense variant.
Genome position (GRCh38, 1-based): chr16:89,282,670, T>C on the plus strand (A>G on the coding strand, the complement: ANKRD11 is on the minus strand). VCF-style: chr16-89282670-T-C. GRCh37 (hg19) VCF-style: chr16-89349078-T-C.
Other names: c.3872A>G, p.Glu1291Gly (NM_001256182.2, NM_001256183.2); short protein forms E1291G.
Identifiers: ClinVar variation 515354 (VCV000515354.5), dbSNP rs377605019, ClinGen allele CA8242272.

ClinVar aggregate classification (germline): Conflicting classifications of pathogenicity. Review status: criteria provided, conflicting classifications (1 of 4 stars). 2 submissions from 2 submitters: Uncertain significance (1); Likely benign (1). Last evaluated 2025-11-24.

Conditions:
KBG syndrome (KBGS). Also called: ANKRD11-Related KBG Syndrome. Identifiers: Orphanet 2332, MedGen C0220687, MONDO:0007846, OMIM 148050.

Allele frequency attached by ClinVar (database versions not stated): ExAC 0.00005; gnomAD 0.00005 and 0.00006; TOPMed 0.00005; gnomAD exomes 0.00006; ESP Exome Variant Server 0.00008.
gnomAD v4.1: 94 of 1,614,060 alleles (0.0058%); highest among the groups gnomAD compares: Non-Finnish European, 0.0078%; no homozygotes.

Submissions (2):

Labcorp Genetics (formerly Invitae), Labcorp
Classification: Uncertain significance for KBG syndrome. Last evaluated: 2025-11-24. Review status: criteria provided, single submitter. Criteria: Invitae Variant Classification Sherloc (09022015). Collection method: clinical testing. Allele origin: germline.
Comment: This sequence change replaces glutamic acid, which is acidic and polar, with glycine, which is neutral and non-polar, at codon 1291 of the ANKRD11 protein (p.Glu1291Gly). This variant is present in population databases (rs377605019, gnomAD 0.01%). This variant has not been reported in the literature in individuals affected with ANKRD11-related conditions. ClinVar contains an entry for this variant (Variation ID: 515354). Invitae Evidence Modeling of protein sequence and biophysical properties (such as structural, functional, and spatial information, amino acid conservation, physicochemical variation, residue mobility, and thermodynamic stability) indicates that this missense variant is not expected to disrupt ANKRD11 protein function with a negative predictive value of 95%. In summary, the available evidence is currently insufficient to determine the role of this variant in disease. Therefore, it has been classified as a Variant of Uncertain Significance.

GeneDx
Classification: Likely benign. Last evaluated: 2019-07-09. Review status: criteria provided, single submitter. Criteria: GeneDx Variant Classification Process June 2021. Collection method: clinical testing. Allele origin: germline. Affected: yes.